The following is an entry in ClinVar:

NM_000548.5(TSC2):c.2566C>T (p.Leu856Phe)

Gene: TSC2 (TSC complex subunit 2; plus strand). Cytogenetic location: 16p13.3.
Variant type: single nucleotide variant.
Coding change: c.2566C>T on transcript NM_000548.5 (MANE Select); coding-DNA position 2566, C replaced by T.
Protein change: p.Leu856Phe; replaces leucine 856 with phenylalanine.
Molecular consequence: missense variant.
Genome position (GRCh38, 1-based): chr16:2,075,819, C>T. VCF-style: chr16-2075819-C-T. GRCh37 (hg19) VCF-style: chr16-2125820-C-T.
Other names: c.2566C>T, p.Leu856Phe (NM_001077183.3, NM_001114382.3, NM_001363528.2 and 3 more transcripts); c.2455C>T, p.Leu819Phe (NM_001318827.2); c.2419C>T, p.Leu807Phe (NM_001318829.2); c.1966C>T, p.Leu656Phe (NM_001318831.2); c.2599C>T, p.Leu867Phe (NM_001318832.2); short protein forms L819F, L856F, L867F, L656F, L807F.
Identifiers: ClinVar variation 821495 (VCV000821495.14), dbSNP rs1596364980, ClinGen allele CA394278335.

ClinVar aggregate classification (germline): Uncertain significance. Review status: criteria provided, multiple submitters, no conflicts (2 of 4 stars). 2 submissions from 2 submitters: Uncertain significance (2). Last evaluated 2025-07-02.

Conditions:
Hereditary cancer-predisposing syndrome. Also called: Hereditary Cancer Syndrome; Neoplastic Syndromes, Hereditary; Hereditary neoplastic syndrome; Tumor predisposition. Identifiers: Orphanet 140162, MedGen C0027672, MeSH D009386, MONDO:0015356.
Tuberous sclerosis 2 (TSC2). Identifiers: Orphanet 805, MedGen C1860707, MONDO:0013199, OMIM 613254.

Submissions (2):

Ambry Genetics
Classification: Uncertain significance for Hereditary cancer-predisposing syndrome. Last evaluated: 2025-07-02. Review status: criteria provided, single submitter. Criteria: Ambry Variant Classification Scheme 2023. Collection method: clinical testing. Allele origin: germline.
Comment: The p.L856F variant (also known as c.2566C>T), located in coding exon 22 of the TSC2 gene, results from a C to T substitution at nucleotide position 2566. The leucine at codon 856 is replaced by phenylalanine, an amino acid with highly similar properties. This amino acid position is highly conserved in available vertebrate species. In addition, this alteration is predicted to be deleterious by in silico analysis. Based on the available evidence, the clinical significance of this variant remains unclear.

Labcorp Genetics (formerly Invitae), Labcorp
Classification: Uncertain significance for Tuberous sclerosis 2. Last evaluated: 2025-04-23. Review status: criteria provided, single submitter. Criteria: Invitae Variant Classification Sherloc (09022015). Collection method: clinical testing. Allele origin: germline.
Comment: This sequence change replaces leucine, which is neutral and non-polar, with phenylalanine, which is neutral and non-polar, at codon 856 of the TSC2 protein (p.Leu856Phe). This variant is not present in population databases (gnomAD no frequency). This variant has not been reported in the literature in individuals affected with TSC2-related conditions. ClinVar contains an entry for this variant (Variation ID: 821495). Invitae Evidence Modeling of protein sequence and biophysical properties (such as structural, functional, and spatial information, amino acid conservation, physicochemical variation, residue mobility, and thermodynamic stability) indicates that this missense variant is not expected to disrupt TSC2 protein function with a negative predictive value of 95%. In summary, the available evidence is currently insufficient to determine the role of this variant in disease. Therefore, it has been classified as a Variant of Uncertain Significance.